The following is an entry in ClinVar:

ClinVar aggregate classification (germline): Uncertain significance (1 of 4 stars; one submission).

Allele frequency attached by ClinVar (database versions not stated): gnomAD exomes below 0.00001; TOPMed below 0.00001; gnomAD 0.00001.

Submission:

GeneDx
Classification: Uncertain significance. Last evaluated: 2022-06-26. Review status: criteria provided, single submitter. Criteria: GeneDx Variant Classification Process June 2021. Collection method: clinical testing. Allele origin: germline. Affected: yes.
Comment: Not observed at significant frequency in large population cohorts (gnomAD); In silico analysis supports that this missense variant does not alter protein structure/function; Has not been previously published as pathogenic or benign to our knowledge

NM_015335.5(MED13L):c.1967G>A (p.Cys656Tyr)

Gene: MED13L (mediator complex subunit 13L; minus strand). Cytogenetic location: 12q24.21.
Variant type: single nucleotide variant.
Coding change: c.1967G>A on transcript NM_015335.5 (MANE Select); coding-DNA position 1967, G replaced by A.
Protein change: p.Cys656Tyr; replaces cysteine 656 with tyrosine.
Molecular consequence: missense variant.
Genome position (GRCh38, 1-based): chr12:116,008,446, C>T on the plus strand (G>A on the coding strand, the complement: MED13L is on the minus strand). VCF-style: chr12-116008446-C-T. GRCh37 (hg19) VCF-style: chr12-116446251-C-T.
Other names: short protein forms C656Y.
Identifiers: ClinVar variation 1806551 (VCV001806551.1), dbSNP rs577727855, ClinGen allele CA244165044.